The following is an entry in ClinVar:

ClinVar aggregate classification (germline): Benign. Review status: criteria provided, multiple submitters, no conflicts (2 of 4 stars). 7 submissions from 7 submitters: Benign (5). 2 of the submissions do not count toward it. Last evaluated 2026-01-24.

Conditions:
Idiopathic basal ganglia calcification 1 (PFBC1A). Also called: Familial Idiopathic Basal Ganglia Calcification 2; Familial Idiopathic Basal Ganglia Calcification 3; Primary Familial Brain Calcification; PRIMARY FAMILIAL BRAIN CALCIFICATION 1A, AUTOSOMAL DOMINANT; Fahr's syndrome; Cerebral calcification nonarteriosclerotic idiopathic adult-onset. Identifiers: Orphanet 1980, MedGen C4551624, MONDO:0024538, OMIM 213600.
SLC20A2-related disorder. Also called: SLC20A2-related condition.

Allele frequency attached by ClinVar (database versions not stated): TOPMed 0.02005; 1000 Genomes Project 0.02177; gnomAD 0.01830 and 0.01957; ESP Exome Variant Server 0.02014; 1000 Genomes Project 30x 0.02358.
gnomAD v4.1: 5,374 of 1,614,124 alleles (0.33%); highest among the groups gnomAD compares: African/African-American, 5.9%; 154 homozygotes.

Submissions (7):

Labcorp Genetics (formerly Invitae), Labcorp
Classification: Benign. Last evaluated: 2026-01-24. Review status: criteria provided, single submitter. Criteria: Invitae Variant Classification Sherloc (09022015). Collection method: clinical testing. Allele origin: germline.

GeneDx
Classification: Benign. Last evaluated: 2018-08-17. Review status: criteria provided, single submitter. Criteria: GeneDx Variant Classification Process June 2021. Collection method: clinical testing. Allele origin: germline. Affected: yes.

Illumina Laboratory Services, Illumina
Classification: Benign for Idiopathic basal ganglia calcification 1. Last evaluated: 2017-04-27. Review status: criteria provided, single submitter. Criteria: ICSL Variant Classification Criteria 13 December 2019. Collection method: clinical testing. Allele origin: germline.
Comment: This variant was observed as part of a predisposition screen in an ostensibly healthy population. A literature search was performed for the gene, cDNA change, and amino acid change (where applicable). No publications were found based on this search. Allele frequency data from public databases was too high to be consistent with this variant causing disease. Therefore, this variant is classified as benign.

Clinical Genetics DNA and cytogenetics Diagnostics Lab, Erasmus MC, Erasmus Medical Center
Classification: Benign for Idiopathic basal ganglia calcification 1. Last evaluated: 2015-09-21. Review status: criteria provided, single submitter. Criteria: ACGS Guidelines, 2013. Collection method: clinical testing. Allele origin: germline. Affected: yes. Study: VKGL Data-share Consensus.

Breakthrough Genomics
Classification: Benign. Review status: criteria provided, single submitter. Criteria: ACMG Guidelines, 2015. Collection method: not provided. Allele origin: germline. Inheritance: Autosomal dominant inheritance. Affected: yes.

PreventionGenetics, part of Exact Sciences
Classification: Benign for SLC20A2-related condition. Last evaluated: 2019-11-14. Review status: no assertion criteria provided. Collection method: clinical testing. Allele origin: germline. Not counted in ClinVar's aggregate classification.
Comment: This variant is classified as benign based on ACMG/AMP sequence variant interpretation guidelines (Richards et al. 2015 PMID: 25741868, with internal and published modifications).

Genome Diagnostics Laboratory, Amsterdam University Medical Center
Classification: Likely benign for Idiopathic basal ganglia calcification 1. Last evaluated: 2017-11-10. Review status: no assertion criteria provided. Criteria: ACGS Guidelines, 2013. Collection method: clinical testing. Allele origin: germline. Affected: yes. Study: VKGL Data-share Consensus. Not counted in ClinVar's aggregate classification.

NM_001257180.2(SLC20A2):c.1011C>A (p.Thr337=)

Gene: SLC20A2 (solute carrier family 20 member 2; minus strand). Cytogenetic location: 8p11.21.
Variant type: single nucleotide variant.
Coding change: c.1011C>A on transcript NM_001257180.2 (MANE Select); coding-DNA position 1011, C replaced by A.
Protein change: p.Thr337=; no amino-acid change (threonine 337 retained).
Molecular consequence: synonymous variant.
Genome position (GRCh38, 1-based): chr8:42,437,501, G>T on the plus strand (C>A on the coding strand, the complement: SLC20A2 is on the minus strand). VCF-style: chr8-42437501-G-T. GRCh37 (hg19) VCF-style: chr8-42295019-G-T.
Other names: c.1011C>A, p.Thr337= (NM_001257181.2, NM_006749.5).
Identifiers: ClinVar variation 363077 (VCV000363077.19), dbSNP rs116359869, ClinGen allele CA4733392.
Genomic context (GRCh38, chr8:42,437,501, plus strand): 5'-CAGATCTTTGTAGAGCCCCGAGTCTTTGTGCACGGTGTGGTACACATGACCGTCGCTCCT[G>T]GTGTGGCCGTCGAAGCCGAAGGTGCCGTTGGAGATGGGCGATTTCACAGAGCCATGGGTC-3'
Protein context (NP_001244109.1, residues 327-347): SNGTFGFDGH[Thr337=]RSDGHVYHTV